The following is an entry in ClinVar:

NC_000023.11:g.(?_31679365)_(31729758_?)del

Gene: DMD (dystrophin; minus strand). Cytogenetic location: Xp21.1.
Variant type: Deletion.
Identifiers: ClinVar variation 833018 (VCV000833018.7).

ClinVar aggregate classification (germline): Pathogenic (1 of 4 stars; one submission).

Conditions:
Duchenne muscular dystrophy (DMD). Also called: Duchenne Muscular Dystrophy (DMD); MUSCULAR DYSTROPHY, PSEUDOHYPERTROPHIC PROGRESSIVE, DUCHENNE TYPE. Identifiers: Orphanet 98896, MedGen C0013264, MONDO:0010679, OMIM 310200.

Submission:

Labcorp Genetics (formerly Invitae), Labcorp
Classification: Pathogenic for Duchenne muscular dystrophy. Last evaluated: 2021-08-12. Review status: criteria provided, single submitter. Criteria: Invitae Variant Classification Sherloc (09022015). Collection method: clinical testing. Allele origin: germline.
Comment: This variant is a gross deletion of the genomic region encompassing exon(s) 52-53 of the DMD gene. This variant would be expected to be in-frame, preserving the integrity of the reading frame. A similar copy number variant has been observed in individuals with Becker or Duchenne muscular dystrophy as well as in clinically asymptomatic individuals with high creatine kinase levels and high creatine kinase levels (PMID: 11388892, 16834926, 21969337, 22102647). The region of the DMD gene that includes exon(s) 52-53 has been determined to be clinically significant (PMID: 16030524, 17259292, 18261911). Therefore, deletions that encompass that region are likely to be disease-causing. For these reasons, this variant has been classified as Pathogenic.

Literature cited by the submitters: PubMed 11388892; PubMed 16834926; PubMed 21969337; PubMed 22102647; PubMed 16030524; PubMed 17259292; PubMed 18261911.